The following is an entry in ClinVar:

ClinVar aggregate classification (germline): Uncertain significance (1 of 4 stars; one submission).

Conditions:
Spondyloepiphyseal dysplasia with congenital joint dislocations (SEDCJD). Also called: Chondrodysplasia with Congenital Joint Dislocations, CHST3-Related. Identifiers: Orphanet 263463, MedGen C1837657, MONDO:0007738, OMIM 143095.

Submission:

Labcorp Genetics (formerly Invitae), Labcorp
Classification: Uncertain significance for Spondyloepiphyseal dysplasia with congenital joint dislocations. Last evaluated: 2022-05-03. Review status: criteria provided, single submitter. Criteria: Invitae Variant Classification Sherloc (09022015). Collection method: clinical testing. Allele origin: germline.
Comment: This sequence change replaces valine, which is neutral and non-polar, with leucine, which is neutral and non-polar, at codon 148 of the CHST3 protein (p.Val148Leu). In summary, the available evidence is currently insufficient to determine the role of this variant in disease. Therefore, it has been classified as a Variant of Uncertain Significance. Algorithms developed to predict the effect of missense changes on protein structure and function are either unavailable or do not agree on the potential impact of this missense change (SIFT: "Tolerated"; PolyPhen-2: "Probably Damaging"; Align-GVGD: "Class C0"). This variant has not been reported in the literature in individuals affected with CHST3-related conditions. This variant is not present in population databases (gnomAD no frequency).

NM_004273.5(CHST3):c.442G>T (p.Val148Leu)

Gene: CHST3 (carbohydrate sulfotransferase 3; plus strand). Cytogenetic location: 10q22.1.
Variant type: single nucleotide variant.
Coding change: c.442G>T on transcript NM_004273.5 (MANE Select); coding-DNA position 442, G replaced by T.
Protein change: p.Val148Leu; replaces valine 148 with leucine.
Molecular consequence: missense variant.
Genome position (GRCh38, 1-based): chr10:72,007,473, G>T. VCF-style: chr10-72007473-G-T. GRCh37 (hg19) VCF-style: chr10-73767231-G-T.
Other names: short protein forms V148L.
Identifiers: ClinVar variation 1963485 (VCV001963485.5), dbSNP rs1387253547, ClinGen allele CA377143821.